The following is an entry in ClinVar:

ClinVar aggregate classification (germline): Uncertain significance (1 of 4 stars; one submission).

Conditions:
Inflammatory skin and bowel disease, neonatal, 1. Identifiers: Orphanet 294023, MedGen C3280501, MONDO:0013693, OMIM 614328.

Submission:

Labcorp Genetics (formerly Invitae), Labcorp
Classification: Uncertain significance for Inflammatory skin and bowel disease, neonatal 1. Last evaluated: 2019-07-15. Review status: criteria provided, single submitter. Criteria: Invitae Variant Classification Sherloc (09022015). Collection method: clinical testing. Allele origin: germline.
Comment: This variant results in a copy number gain of the genomic region encompassing the full coding sequence of the ADAM17 gene. The boundaries of this event are unknown as they extend beyond the assayed region for this gene and therefore may encompass additional genes. As the precise location of this event is unknown, it may be in tandem or it may be located elsewhere in the genome. This variant has not been reported in the literature in individuals with ADAM17-related conditions. In summary, the available evidence is currently insufficient to determine the role of this variant in disease. Therefore, it has been classified as a Variant of Uncertain Significance.

NC_000002.12:g.(?_9490157)_(9555625_?)dup

Gene: ADAM17 (ADAM metallopeptidase domain 17; minus strand). Cytogenetic location: 2p25.1.
Variant type: Duplication.
Identifiers: ClinVar variation 831366 (VCV000831366.1).